The following is an entry in ClinVar:

ClinVar aggregate classification (germline): Uncertain significance (1 of 4 stars; one submission).

Conditions:
Hypothyroidism, congenital, nongoitrous, 2 (CHNG2). Also called: Hypothyroidism, congenital, due to thyroid dysgenesis or hypoplasia. Identifiers: Orphanet 95712, MedGen C1869118, MONDO:0024264, OMIM 218700.

Allele frequency attached by ClinVar (database versions not stated): gnomAD exomes below 0.00001 and 0.00001.
gnomAD v4.1: 4 of 1,607,172 alleles (0.00025%); highest among the groups gnomAD compares: Non-Finnish European, 0.00034%; no homozygotes.

Submission:

Baylor Genetics
Classification: Uncertain significance for Hypothyroidism, congenital, nongoitrous, 2. Last evaluated: 2020-03-26. Review status: criteria provided, single submitter. Criteria: ACMG Guidelines, 2015. Collection method: clinical testing. Allele origin: unknown. Affected: yes.
Comment: This variant was determined to be of uncertain significance according to ACMG Guidelines, 2015 [PMID:25741868].

NM_003466.4(PAX8):c.777G>C (p.Gln259His)

Genes: PAX8 (paired box 8; minus strand), PAX8-AS1 (PAX8 antisense RNA 1; plus strand), LOC126806316 (P300/CBP strongly-dependent group 1 enhancer GRCh37_chr2:113998497-113999696; plus strand). Cytogenetic location: 2q14.1.
Variant type: single nucleotide variant.
Coding change: c.777G>C on transcript NM_003466.4 (MANE Select); coding-DNA position 777, G replaced by C.
Protein change: p.Gln259His; replaces glutamine 259 with histidine.
Molecular consequence: missense variant.
Genome position (GRCh38, 1-based): chr2:113,241,551, C>G on the plus strand (G>C on the coding strand, the complement: PAX8 is on the minus strand). VCF-style: chr2-113241551-C-G. GRCh37 (hg19) VCF-style: chr2-113999128-C-G.
Other names: c.777G>C, p.Gln259His (NM_013952.4, NM_013953.4, NM_013992.4); short protein forms Q259H.
Identifiers: ClinVar variation 1029705 (VCV001029705.1), dbSNP rs1395652316, ClinGen allele CA348300814.